The following is an entry in ClinVar:

NM_004055.5(CAPN5):c.1070C>T (p.Ala357Val)

Gene: CAPN5 (calpain 5; plus strand). Cytogenetic location: 11q13.5.
Variant type: single nucleotide variant.
Coding change: c.1070C>T on transcript NM_004055.5 (MANE Select); coding-DNA position 1070, C replaced by T.
Protein change: p.Ala357Val; replaces alanine 357 with valine.
Molecular consequence: missense variant.
Genome position (GRCh38, 1-based): chr11:77,118,255, C>T. VCF-style: chr11-77118255-C-T. GRCh37 (hg19) VCF-style: chr11-76829301-C-T.
Other names: short protein forms A357V.
Identifiers: ClinVar variation 1953475 (VCV001953475.6), dbSNP rs781865495, ClinGen allele CA6196674.
Genomic context (GRCh38, chr11:77,118,255, plus strand): 5'-TCATCAAGTGCCGCGTGATCAACACATCCCACCTGAGCATCCACAAGACGTGGGAGGAGG[C>T]CCGGCTGCATGGCGCCTGGACGCTGCATGAGGACCCGCGACAGAACCGCGGTGGCGGCTG-3'
Protein context (NP_004046.2, residues 347-367): HLSIHKTWEE[Ala357Val]RLHGAWTLHE

ClinVar aggregate classification (germline): Uncertain significance. Review status: criteria provided, multiple submitters, no conflicts (2 of 4 stars). 2 submissions from 2 submitters: Uncertain significance (2). Last evaluated 2023-11-25.

Conditions:
Inborn genetic diseases. Identifiers: MedGen C0950123, MeSH D030342.

Allele frequency attached by ClinVar (database versions not stated): gnomAD 0.00001; gnomAD exomes 0.00002; ExAC 0.00004.
gnomAD v4.1: 23 of 1,614,006 alleles (0.0014%); highest among the groups gnomAD compares: South Asian, 0.024%; no homozygotes.

Submissions (2):

Labcorp Genetics (formerly Invitae), Labcorp
Classification: Uncertain significance. Last evaluated: 2023-11-25. Review status: criteria provided, single submitter. Criteria: Invitae Variant Classification Sherloc (09022015). Collection method: clinical testing. Allele origin: germline.
Comment: This sequence change replaces alanine, which is neutral and non-polar, with valine, which is neutral and non-polar, at codon 357 of the CAPN5 protein (p.Ala357Val). This variant is present in population databases (rs781865495, gnomAD 0.02%). This variant has not been reported in the literature in individuals affected with CAPN5-related conditions. ClinVar contains an entry for this variant (Variation ID: 1953475). Advanced modeling of protein sequence and biophysical properties (such as structural, functional, and spatial information, amino acid conservation, physicochemical variation, residue mobility, and thermodynamic stability) performed at Invitae indicates that this missense variant is not expected to disrupt CAPN5 protein function with a negative predictive value of 80%. In summary, the available evidence is currently insufficient to determine the role of this variant in disease. Therefore, it has been classified as a Variant of Uncertain Significance.

Ambry Genetics
Classification: Uncertain significance for Inborn genetic diseases. Last evaluated: 2022-06-29. Review status: criteria provided, single submitter. Criteria: Ambry Variant Classification Scheme 2023. Collection method: clinical testing. Allele origin: germline.